The following is an entry in ClinVar:

ClinVar aggregate classification (germline): Uncertain significance (1 of 4 stars; one submission).

gnomAD v4.1: 8 of 1,609,268 alleles (0.0005%); highest among the groups gnomAD compares: Non-Finnish European, 0.00068%; no homozygotes.

Submission:

Labcorp Genetics (formerly Invitae), Labcorp
Classification: Uncertain significance. Last evaluated: 2024-10-08. Review status: criteria provided, single submitter. Criteria: Invitae Variant Classification Sherloc (09022015). Collection method: clinical testing. Allele origin: germline.
Comment: This sequence change affects codon 477 of the SUCO mRNA. It is a 'silent' change, meaning that it does not change the encoded amino acid sequence of the SUCO protein. It affects a nucleotide within the consensus splice site. This variant is not present in population databases (gnomAD no frequency). This variant has not been reported in the literature in individuals affected with SUCO-related conditions. ClinVar contains an entry for this variant (Variation ID: 1522864). Algorithms developed to predict the effect of sequence changes on RNA splicing suggest that this variant is not likely to affect RNA splicing. In summary, the available evidence is currently insufficient to determine the role of this variant in disease. Therefore, it has been classified as a Variant of Uncertain Significance.

NM_014283.5(SUCO):c.1431T>C (p.Tyr477=)

Gene: SUCO (SUN domain containing ossification factor; plus strand). Cytogenetic location: 1q24.3.
Variant type: single nucleotide variant.
Coding change: c.1431T>C on transcript NM_014283.5 (MANE Select); coding-DNA position 1431, T replaced by C.
Protein change: p.Tyr477=; no amino-acid change (tyrosine 477 retained).
Molecular consequence: synonymous variant. On other transcripts: 5 prime UTR variant (1).
Genome position (GRCh38, 1-based): chr1:172,578,388, T>C. VCF-style: chr1-172578388-T-C. GRCh37 (hg19) VCF-style: chr1-172547528-T-C.
Other names: c.1320T>C, p.Tyr440= (NM_001282750.2); c.-99T>C (NM_001282751.2); c.1884T>C, p.Tyr628= (NM_016227.4).
Identifiers: ClinVar variation 1522864 (VCV001522864.6), dbSNP rs2149252431, ClinGen allele CA421799311.
Genomic context (GRCh38, chr1:172,578,388, plus strand): 5'-TGAAGAAATTGCTGATTCCCAGTATCACTCAGAACGCCAGGAACTATTTGATGAGGACTA[T>C]GGTAAGTGACATCAAACAGATGACTGTTAGGTATATTTTTTTTACTTTTTAAAAATCGAA-3'
Protein context (NP_055098.1, residues 467-487): SERQELFDED[Tyr477=]DYPLDYNTGE